The following is an entry in ClinVar:

ClinVar aggregate classification (germline): Uncertain significance (1 of 4 stars; one submission).

Submission:

GeneDx
Classification: Uncertain significance. Last evaluated: 2022-03-04. Review status: criteria provided, single submitter. Criteria: GeneDx Variant Classification Process June 2021. Collection method: clinical testing. Allele origin: germline. Affected: yes.
Comment: Not observed at significant frequency in large population cohorts (gnomAD); In silico analysis supports that this missense variant does not alter protein structure/function; Has not been previously published as pathogenic or benign to our knowledge

NM_019066.5(MAGEL2):c.2246G>C (p.Arg749Pro)

Gene: MAGEL2 (MAGE family member L2; minus strand). Cytogenetic location: 15q11.2.
Variant type: single nucleotide variant.
Coding change: c.2246G>C on transcript NM_019066.5 (MANE Select); coding-DNA position 2246, G replaced by C.
Protein change: p.Arg749Pro; replaces arginine 749 with proline.
Molecular consequence: missense variant.
Genome position (GRCh38, 1-based): chr15:23,645,497, C>G on the plus strand (G>C on the coding strand, the complement: MAGEL2 is on the minus strand). VCF-style: chr15-23645497-C-G. GRCh37 (hg19) VCF-style: chr15-23890644-C-G.
Other names: short protein forms R749P.
Identifiers: ClinVar variation 1703879 (VCV001703879.2), dbSNP rs372951342, ClinGen allele CA391332385.